The following is an entry in ClinVar:

NM_000037.4(ANK1):c.991del (p.Glu330_Ile331insTer)

Gene: ANK1 (ankyrin 1; minus strand). Cytogenetic location: 8p11.21.
Variant type: Deletion.
Coding change: c.991del on transcript NM_000037.4 (MANE Select); coding-DNA position 991, one base deleted (A; older notation c.991delA).
Protein change: p.Glu330_Ile331insTer.
Molecular consequence: nonsense.
Genome position (GRCh38, 1-based): chr8:41,719,777, T deleted on the plus strand (A on the coding strand, the reverse complement: ANK1 is on the minus strand). VCF-style (leftmost placement, unchanged base first): chr8-41719776-AT-A. GRCh37 (hg19) VCF-style: chr8-41577294-AT-A.
Other names: c.1090del, p.Glu363_Ile364insTer (NM_001142446.2); c.991del, p.Glu330_Ile331insTer (NM_020475.3, NM_020476.3, NM_020477.3).
Identifiers: ClinVar variation 5001254 (VCV005001254.1).

ClinVar aggregate classification (germline): Pathogenic (1 of 4 stars; one submission).

Conditions:
ANK1-related disorder. Also called: ANK1-related condition.

Submission:

PreventionGenetics, part of Exact Sciences
Classification: Pathogenic for ANK1-related condition. Last evaluated: 2025-03-22. Review status: criteria provided, single submitter. Criteria: ACMG Guidelines, 2015. Collection method: clinical testing. Allele origin: germline.
Comment: The ANK1 c.991delA variant is predicted to result in premature protein termination (p.Ile331*). To our knowledge, this variant has not been reported in the literature or in a large population database (gnomAD), indicating this variant is rare. Frameshift variants in ANK1 are expected to be pathogenic. This variant is interpreted as pathogenic.